The following is an entry in ClinVar:

ClinVar aggregate classification (germline): Likely benign (1 of 4 stars; one submission).

Conditions:
Hereditary pheochromocytoma and paraganglioma. Also called: Hereditary pheochromocytoma-paraganglioma; Hereditary Paraganglioma-Pheochromocytoma Syndromes; Hereditary paragangliomas and pheochromocytomas. Identifiers: Orphanet 29072, MedGen C4274332, MONDO:0017366.

Submission:

All of Us Research Program, National Institutes of Health
Classification: Likely benign for Hereditary pheochromocytoma and paraganglioma. Last evaluated: 2023-07-10. Review status: criteria provided, single submitter. Criteria: ACMG Guidelines, 2015. Collection method: clinical testing. Allele origin: germline. Inheritance: Autosomal dominant inheritance. Observed: 1 variant allele, 1 heterozygote.
Comment: This study involves interpretation of variants in research participants for the purpose of population health screening. Participant phenotype was not available at the time of variant classification. Additional details can be found in publication PMID: 35346344, PMCID: PMC8962531

NM_003001.5(SDHC):c.480G>T (p.Val160=)

Gene: SDHC (succinate dehydrogenase complex subunit C; plus strand). Cytogenetic location: 1q23.3.
Variant type: single nucleotide variant.
Coding change: c.480G>T on transcript NM_003001.5 (MANE Select); coding-DNA position 480, G replaced by T.
Protein change: p.Val160=; no amino-acid change (valine 160 retained).
Molecular consequence: synonymous variant. On other transcripts: missense variant (3), non-coding transcript variant (1).
Genome position (GRCh38, 1-based): chr1:161,362,403, G>T. VCF-style: chr1-161362403-G-T. GRCh37 (hg19) VCF-style: chr1-161332193-G-T.
Other names: c.316G>T, p.Val106Phe (NM_001035511.3); c.378G>T, p.Val126= (NM_001035512.3); c.321G>T, p.Val107= (NM_001035513.3); c.214G>T, p.Val72Phe (NM_001278172.3); c.600G>T, p.Val200= (NM_001407115.1); c.423G>T, p.Val141= (NM_001407116.1); c.417G>T, p.Val139= (NM_001407117.1); c.372G>T, p.Val124= (NM_001407118.1); and 2 more; short protein forms V106F, V72F, V87F.
Identifiers: ClinVar variation 3072319 (VCV003072319.1), dbSNP rs771512756, ClinGen allele CA343457893.